The following is an entry in ClinVar:

NM_021095.4(SLC5A6):c.1773C>T (p.Leu591=)

Gene: SLC5A6 (solute carrier family 5 member 6; minus strand). Cytogenetic location: 2p23.3.
Variant type: single nucleotide variant.
Coding change: c.1773C>T on transcript NM_021095.4 (MANE Select); coding-DNA position 1773, C replaced by T.
Protein change: p.Leu591=; no amino-acid change (leucine 591 retained).
Molecular consequence: synonymous variant. On other transcripts: non-coding transcript variant (1).
Genome position (GRCh38, 1-based): chr2:27,200,571, G>A on the plus strand (C>T on the coding strand, the complement: SLC5A6 is on the minus strand). VCF-style: chr2-27200571-G-A. GRCh37 (hg19) VCF-style: chr2-27423439-G-A.
Identifiers: ClinVar variation 4987938 (VCV004987938.1).

ClinVar aggregate classification (germline): Likely benign (1 of 4 stars; one submission).

Conditions:
SLC5A6-related disorder.

gnomAD v4.1: 29 of 1,611,784 alleles (0.0018%); highest among the groups gnomAD compares: South Asian, 0.0033%; no homozygotes.

Submission:

PreventionGenetics, part of Exact Sciences
Classification: Likely benign for SLC5A6-related condition. Last evaluated: 2026-07-28. Review status: criteria provided, single submitter. Criteria: ACMG Guidelines, 2015. Collection method: clinical testing. Allele origin: germline.
Comment: This variant is classified as likely benign based on ACMG/AMP sequence variant interpretation guidelines (Richards et al. 2015 PMID: 25741868, with internal and published modifications).